The following is an entry in ClinVar:

ClinVar aggregate classification (germline): Uncertain significance (1 of 4 stars; one submission).

Conditions:
Osteogenesis imperfecta type 7 (OI7). Also called: OSTEOGENESIS IMPERFECTA, TYPE IIB; Osteogenesis imperfecta type 2B; OI type 2B; Osteogenesis imperfecta, perinatal lethal autosomal recessive; OI type IIB; OI type 7. Identifiers: MedGen C1853162, MONDO:0012536, OMIM 610682.

Allele frequency attached by ClinVar (database versions not stated): gnomAD exomes below 0.00001; ExAC 0.00001; TOPMed 0.00001.
gnomAD v4.1: 10 of 1,614,060 alleles (0.00062%); highest among the groups gnomAD compares: East Asian, 0.0067%; no homozygotes.

Submission:

Labcorp Genetics (formerly Invitae), Labcorp
Classification: Uncertain significance for Osteogenesis imperfecta type 7. Last evaluated: 2022-03-18. Review status: criteria provided, single submitter. Criteria: Invitae Variant Classification Sherloc (09022015). Collection method: clinical testing. Allele origin: germline.
Comment: This sequence change replaces leucine, which is neutral and non-polar, with valine, which is neutral and non-polar, at codon 173 of the CRTAP protein (p.Leu173Val). This variant is present in population databases (rs778115119, gnomAD 0.006%). This variant has not been reported in the literature in individuals affected with CRTAP-related conditions. ClinVar contains an entry for this variant (Variation ID: 972354). Algorithms developed to predict the effect of missense changes on protein structure and function (SIFT, PolyPhen-2, Align-GVGD) all suggest that this variant is likely to be tolerated. Algorithms developed to predict the effect of sequence changes on RNA splicing suggest that this variant may create or strengthen a splice site. In summary, the available evidence is currently insufficient to determine the role of this variant in disease. Therefore, it has been classified as a Variant of Uncertain Significance.

NM_006371.5(CRTAP):c.517C>G (p.Leu173Val)

Gene: CRTAP (cartilage associated protein; plus strand). Cytogenetic location: 3p22.3.
Variant type: single nucleotide variant.
Coding change: c.517C>G on transcript NM_006371.5 (MANE Select); coding-DNA position 517, C replaced by G.
Protein change: p.Leu173Val; replaces leucine 173 with valine.
Molecular consequence: missense variant.
Genome position (GRCh38, 1-based): chr3:33,120,389, C>G. VCF-style: chr3-33120389-C-G. GRCh37 (hg19) VCF-style: chr3-33161881-C-G.
Other names: short protein forms L173V.
Identifiers: ClinVar variation 972354 (VCV000972354.4), dbSNP rs778115119, ClinGen allele CA2300303.